The following is an entry in ClinVar:

ClinVar aggregate classification (germline): Uncertain significance. Review status: criteria provided, multiple submitters, no conflicts (2 of 4 stars). 5 submissions from 5 submitters: Uncertain significance (4). 1 of the submissions does not count toward it. Last evaluated 2026-05-26.

Conditions:
Myopathy caused by variation in FKRP. Identifiers: MedGen CN305637, MONDO:0700066.
Cardiovascular phenotype. Identifiers: MedGen CN230736.
Autosomal recessive limb-girdle muscular dystrophy type 2I. Also called: MUSCULAR DYSTROPHY, LIMB-GIRDLE, TYPE 2I; MUSCULAR DYSTROPHY-DYSTROGLYCANOPATHY (LIMB-GIRDLE), TYPE C, 5; MUSCULAR DYSTROPHY-DYSTROGLYCANOPATHY, LIMB-GIRDLE, FRKP-RELATED. Identifiers: Orphanet 34515, MedGen C1846672, MONDO:0011787, OMIM 607155.
Walker-Warburg congenital muscular dystrophy. Also called: Muscular dystrophy-dystroglycanopathy, type A; Walker-Warburg syndrome. Identifiers: Orphanet 899, MedGen C0265221, MONDO:0000171.

Allele frequency attached by ClinVar (database versions not stated): gnomAD 0.00001; gnomAD exomes 0.00001 and 0.00002; ExAC 0.00002; TOPMed 0.00002.
gnomAD v4.1: 13 of 1,610,836 alleles (0.00081%); highest among the groups gnomAD compares: Admixed American, 0.01%; no homozygotes.

Submissions (5):

Myriad Genetics, Inc.
Classification: Uncertain significance for Myopathy caused by variation in FKRP. Last evaluated: 2026-05-26. Review status: criteria provided, single submitter. Criteria: Myriad Autosomal Dominant, Autosomal Recessive and X-Linked Classification Criteria (2023). Collection method: clinical testing. Allele origin: unknown.
Comment: NM_024301.4(FKRP):c.1139G>A(G380E) is a missense variant classified as a variant of uncertain significance in the context of FKRP-related disorders. G380E has not been observed in cases with relevant disease. Relevant functional assessments of this variant are not available in the literature. G380E has been observed in referenced population frequency databases. In summary, there is insufficient evidence to classify NM_024301.4(FKRP):c.1139G>A(G380E) as pathogenic or benign. Please note: this variant was assessed in the context of healthy population screening.

Labcorp Genetics (formerly Invitae), Labcorp
Classification: Uncertain significance for Walker-Warburg congenital muscular dystrophy. Last evaluated: 2024-11-01. Review status: criteria provided, single submitter. Criteria: Invitae Variant Classification Sherloc (09022015). Collection method: clinical testing. Allele origin: germline.
Comment: This sequence change replaces glycine, which is neutral and non-polar, with glutamic acid, which is acidic and polar, at codon 380 of the FKRP protein (p.Gly380Glu). This variant is present in population databases (rs751586523, gnomAD 0.01%). This variant has not been reported in the literature in individuals affected with FKRP-related conditions. ClinVar contains an entry for this variant (Variation ID: 665732). Invitae Evidence Modeling of protein sequence and biophysical properties (such as structural, functional, and spatial information, amino acid conservation, physicochemical variation, residue mobility, and thermodynamic stability) indicates that this missense variant is not expected to disrupt FKRP protein function with a negative predictive value of 95%. In summary, the available evidence is currently insufficient to determine the role of this variant in disease. Therefore, it has been classified as a Variant of Uncertain Significance.

Ambry Genetics
Classification: Uncertain significance for Cardiovascular phenotype. Last evaluated: 2024-10-28. Review status: criteria provided, single submitter. Criteria: Ambry Variant Classification Scheme 2023. Collection method: clinical testing. Allele origin: germline.
Comment: The p.G380E variant (also known as c.1139G>A), located in coding exon 1 of the FKRP gene, results from a G to A substitution at nucleotide position 1139. The glycine at codon 380 is replaced by glutamic acid, an amino acid with similar properties. This amino acid position is conserved. In addition, the in silico prediction for this alteration is inconclusive. Based on the available evidence, the clinical significance of this variant remains unclear.

GeneDx
Classification: Uncertain significance. Last evaluated: 2024-08-08. Review status: criteria provided, single submitter. Criteria: GeneDx Variant Classification Process June 2021. Collection method: clinical testing. Allele origin: germline. Affected: yes.
Comment: Not observed at significant frequency in large population cohorts (gnomAD); Missense variants in this gene are a common cause of disease and they are underrepresented in the general population; In silico analysis indicates that this missense variant does not alter protein structure/function; Has not been previously published as pathogenic or benign to our knowledge; This variant is associated with the following publications: (PMID: 27439679)

Natera, Inc.
Classification: Uncertain significance for Limb-girdle muscular dystrophy type 2I. Last evaluated: 2021-03-30. Review status: no assertion criteria provided. Collection method: clinical testing. Allele origin: germline. Not counted in ClinVar's aggregate classification.

NM_024301.5(FKRP):c.1139G>A (p.Gly380Glu)

Gene: FKRP (fukutin related protein; plus strand). Cytogenetic location: 19q13.32.
Variant type: single nucleotide variant.
Coding change: c.1139G>A on transcript NM_024301.5 (MANE Select); coding-DNA position 1139, G replaced by A.
Protein change: p.Gly380Glu; replaces glycine 380 with glutamic acid.
Molecular consequence: missense variant.
Genome position (GRCh38, 1-based): chr19:46,756,589, G>A. VCF-style: chr19-46756589-G-A. GRCh37 (hg19) VCF-style: chr19-47259846-G-A.
Other names: c.1139G>A, p.Gly380Glu (NM_001039885.3); short protein forms G380E.
Identifiers: ClinVar variation 665732 (VCV000665732.9), dbSNP rs751586523, ClinGen allele CA9532254.